The following is an entry in ClinVar:

ClinVar aggregate classification (germline): Uncertain significance. Review status: criteria provided, multiple submitters, no conflicts (2 of 4 stars). 4 submissions from 4 submitters: Uncertain significance (4). Last evaluated 2025-04-13.

Conditions:
Inborn genetic diseases. Identifiers: MedGen C0950123, MeSH D030342.
Fanconi anemia complementation group D2. Also called: FANCD2-Related Fanconi Anemia; FANCONI PANCYTOPENIA, TYPE 4; FANCONI ANEMIA, COMPLEMENTATION GROUP D. Identifiers: Orphanet 84, MedGen C3160738, MONDO:0009214, OMIM 227646.
Fanconi anemia (FA). Also called: Fanconi's anemia. Identifiers: Orphanet 84, MedGen C0015625, MeSH D005199, MONDO:0019391.

Allele frequency attached by ClinVar (database versions not stated): ExAC 0.00001; gnomAD exomes 0.00002 and below 0.00001; TOPMed 0.00002; gnomAD 0.00001; ESP Exome Variant Server 0.00008.
gnomAD v4.1: 28 of 1,613,828 alleles (0.0017%); highest among the groups gnomAD compares: East Asian, 0.0022%; no homozygotes.

Submissions (4):

Ambry Genetics
Classification: Uncertain significance for Inborn genetic diseases. Last evaluated: 2025-04-13. Review status: criteria provided, single submitter. Criteria: Ambry Variant Classification Scheme 2023. Collection method: clinical testing. Allele origin: germline.

Fulgent Genetics
Classification: Uncertain significance for Fanconi anemia complementation group D2. Last evaluated: 2022-02-24. Review status: criteria provided, single submitter. Criteria: ACMG Guidelines, 2015. Collection method: clinical testing. Allele origin: unknown.

Labcorp Genetics (formerly Invitae), Labcorp
Classification: Uncertain significance for Fanconi anemia. Last evaluated: 2022-01-23. Review status: criteria provided, single submitter. Criteria: Invitae Variant Classification Sherloc (09022015). Collection method: clinical testing. Allele origin: germline.
Comment: This sequence change replaces lysine, which is basic and polar, with glutamic acid, which is acidic and polar, at codon 1216 of the FANCD2 protein (p.Lys1216Glu). This variant is present in population databases (rs367552677, gnomAD 0.007%). This variant has not been reported in the literature in individuals affected with FANCD2-related conditions. ClinVar contains an entry for this variant (Variation ID: 342375). Algorithms developed to predict the effect of missense changes on protein structure and function are either unavailable or do not agree on the potential impact of this missense change (SIFT: "Deleterious"; PolyPhen-2: "Probably Damaging"; Align-GVGD: "Class C0"). In summary, the available evidence is currently insufficient to determine the role of this variant in disease. Therefore, it has been classified as a Variant of Uncertain Significance.

Illumina Laboratory Services, Illumina
Classification: Uncertain significance for Fanconi anemia complementation group D2. Last evaluated: 2018-01-13. Review status: criteria provided, single submitter. Criteria: ICSL Variant Classification Criteria 13 December 2019. Collection method: clinical testing. Allele origin: germline.

NM_001018115.3(FANCD2):c.3646A>G (p.Lys1216Glu)

Genes: FANCD2 (FA complementation group D2; plus strand), FANCD2OS (FANCD2 opposite strand; minus strand). Cytogenetic location: 3p25.3.
Variant type: single nucleotide variant.
Coding change: c.3646A>G on transcript NM_001018115.3 (MANE Select); coding-DNA position 3646, A replaced by G.
Protein change: p.Lys1216Glu; replaces lysine 1216 with glutamic acid.
Molecular consequence: missense variant. On other transcripts: intron variant (1).
Genome position (GRCh38, 1-based): chr3:10,088,913, A>G. VCF-style: chr3-10088913-A-G. GRCh37 (hg19) VCF-style: chr3-10130597-A-G.
Other names: c.3646A>G, p.Lys1216Glu (NM_001319984.2, NM_001374254.1, NM_033084.6); c.3535A>G, p.Lys1179Glu (NM_001374253.1); c.*44-7382T>C (NM_173472.2); short protein forms K1216E, K1179E.
Identifiers: ClinVar variation 342375 (VCV000342375.47), dbSNP rs367552677, ClinGen allele CA2250466.